The following is an entry in ClinVar:

ClinVar aggregate classification (germline): Uncertain significance. Review status: criteria provided, multiple submitters, no conflicts (2 of 4 stars). 2 submissions from 2 submitters: Uncertain significance (2). Last evaluated 2024-08-30.

Conditions:
Hereditary cancer-predisposing syndrome. Also called: Tumor predisposition; Hereditary neoplastic syndrome; Hereditary Cancer Syndrome; Neoplastic Syndromes, Hereditary. Identifiers: Orphanet 140162, MedGen C0027672, MeSH D009386, MONDO:0015356.
Bloom syndrome (BLM). Also called: Bloom-Torre-Machacek syndrome. Identifiers: Orphanet 125, MedGen C0005859, MONDO:0008876, OMIM 210900.

Submissions (2):

Ambry Genetics
Classification: Uncertain significance for Hereditary cancer-predisposing syndrome. Last evaluated: 2024-08-30. Review status: criteria provided, single submitter. Criteria: Ambry Variant Classification Scheme 2023. Collection method: clinical testing. Allele origin: germline.
Comment: The p.S1255F variant (also known as c.3764C>T), located in coding exon 19 of the BLM gene, results from a C to T substitution at nucleotide position 3764. The serine at codon 1255 is replaced by phenylalanine, an amino acid with highly dissimilar properties. This amino acid position is conserved. In addition, this alteration is predicted to be tolerated by in silico analysis. Since supporting evidence is limited at this time, the clinical significance of this alteration remains unclear.

Labcorp Genetics (formerly Invitae), Labcorp
Classification: Uncertain significance for Bloom syndrome. Last evaluated: 2023-01-19. Review status: criteria provided, single submitter. Criteria: Invitae Variant Classification Sherloc (09022015). Collection method: clinical testing. Allele origin: germline.
Comment: Advanced modeling of protein sequence and biophysical properties (such as structural, functional, and spatial information, amino acid conservation, physicochemical variation, residue mobility, and thermodynamic stability) performed at Invitae indicates that this missense variant is not expected to disrupt BLM protein function. This sequence change replaces serine, which is neutral and polar, with phenylalanine, which is neutral and non-polar, at codon 1255 of the BLM protein (p.Ser1255Phe). This variant is not present in population databases (gnomAD no frequency). This variant has not been reported in the literature in individuals affected with BLM-related conditions. ClinVar contains an entry for this variant (Variation ID: 1461689). RNA analysis performed to evaluate the impact of this missense change on mRNA splicing indicates it does not significantly alter splicing (Invitae). In summary, the available evidence is currently insufficient to determine the role of this variant in disease. Therefore, it has been classified as a Variant of Uncertain Significance.

NM_000057.4(BLM):c.3764C>T (p.Ser1255Phe)

Gene: BLM (BLM RecQ like helicase; plus strand). Cytogenetic location: 15q26.1.
Variant type: single nucleotide variant.
Coding change: c.3764C>T on transcript NM_000057.4 (MANE Select); coding-DNA position 3764, C replaced by T.
Protein change: p.Ser1255Phe; replaces serine 1255 with phenylalanine.
Molecular consequence: missense variant.
Genome position (GRCh38, 1-based): chr15:90,809,149, C>T. VCF-style: chr15-90809149-C-T. GRCh37 (hg19) VCF-style: chr15-91352379-C-T.
Other names: c.3764C>T, p.Ser1255Phe (NM_001287246.2); c.3371C>T, p.Ser1124Phe (NM_001287247.2); c.2639C>T, p.Ser880Phe (NM_001287248.2); short protein forms S1255F, S1124F, S880F.
Identifiers: ClinVar variation 1461689 (VCV001461689.11), dbSNP rs1897347737, ClinGen allele CA393849609.